The following is an entry in ClinVar:

ClinVar aggregate classification (germline): Uncertain significance (1 of 4 stars; one submission).

Conditions:
TH-deficient dopa-responsive dystonia. Also called: Tyrosine Hydroxylase-Deficient Dopa-Responsive Dystonia; Segawa syndrome, autosomal recessive; DYT-TH. Identifiers: Orphanet 101150, MedGen C2673535, MONDO:0011551, OMIM 605407.

Allele frequency attached by ClinVar (database versions not stated): gnomAD exomes below 0.00001; TOPMed 0.00001.
gnomAD v4.1: 1 of 1,553,426 alleles (0.000064%); highest among the groups gnomAD compares: Non-Finnish European, 0.000087%; no homozygotes.

Submission:

Labcorp Genetics (formerly Invitae), Labcorp
Classification: Uncertain significance for TH-deficient dopa-responsive dystonia. Last evaluated: 2022-05-04. Review status: criteria provided, single submitter. Criteria: Invitae Variant Classification Sherloc (09022015). Collection method: clinical testing. Allele origin: germline.
Comment: This variant is not present in population databases (gnomAD no frequency). This sequence change replaces serine, which is neutral and polar, with cysteine, which is neutral and slightly polar, at codon 487 of the TH protein (p.Ser487Cys). This variant has not been reported in the literature in individuals affected with TH-related conditions. Algorithms developed to predict the effect of missense changes on protein structure and function are either unavailable or do not agree on the potential impact of this missense change (SIFT: "Deleterious"; PolyPhen-2: "Probably Damaging"; Align-GVGD: "Class C15"). In summary, the available evidence is currently insufficient to determine the role of this variant in disease. Therefore, it has been classified as a Variant of Uncertain Significance.

NM_000360.4(TH):c.1367C>G (p.Ser456Cys)

Gene: TH (tyrosine hydroxylase; minus strand). Cytogenetic location: 11p15.5.
Variant type: single nucleotide variant.
Coding change: c.1367C>G on transcript NM_000360.4 (MANE Select); coding-DNA position 1367, C replaced by G.
Protein change: p.Ser456Cys; replaces serine 456 with cysteine.
Molecular consequence: missense variant.
Genome position (GRCh38, 1-based): chr11:2,164,360, G>C on the plus strand (C>G on the coding strand, the complement: TH is on the minus strand). VCF-style: chr11-2164360-G-C. GRCh37 (hg19) VCF-style: chr11-2185590-G-C.
Other names: c.1460C>G, p.Ser487Cys (NM_199292.3); c.1448C>G, p.Ser483Cys (NM_199293.3); short protein forms S456C, S483C, S487C.
Identifiers: ClinVar variation 2138994 (VCV002138994.4), dbSNP rs1846023607, ClinGen allele CA379124590.